The following continues an entry in ClinVar:

NM_007294.4(BRCA1):c.4096+3A>G

ClinVar aggregate classification (germline): Uncertain significance. Uncertain significance (1).

Submissions 9 to 15 of 25:

Women's Health and Genetics/Laboratory Corporation of America, LabCorp
Classification: Uncertain significance. Last evaluated: 2024-10-16. Review status: criteria provided, single submitter. Criteria: LabCorp Variant Classification Summary - May 2015. Collection method: clinical testing. Allele origin: germline. Not counted in ClinVar's aggregate classification.
Comment: Variant summary: BRCA1 c.4096+3A>G alters a conserved nucleotide located close to a canonical splice site and therefore could affect mRNA splicing, leading to a significantly altered protein sequence. Several computational tools predict a significant impact on normal splicing: Three predict the variant abolishes a 5' splicing donor site. However, these predictions have yet to be confirmed by functional studies. A functional study confirms that this variant compromises the existing intron 11 donor splice site, together with increased abundance of the naturally occurring isoforms BRCA1-DELTAex11 (legacy name) (Wappenschmidt_2012). The presence of naturally occurring BRCA1 isoforms lacking exon 11 has been described, adding to the complexity of assessing the effect of the variant. The variant allele was found at a frequency of 3.7e-06 in 1620956 control chromosomes (gnomAD database v4 and literature). The available data on variant occurrences in the general population are insufficient to allow any conclusion about variant significance. c.4096+3A>G has been reported in the literature in individuals affected with Hereditary Breast and Ovarian Cancer (e.g. Judkins_2005, Borg_2010, Wappenschmidt_2012, Song_2014, Petersen_2016) and colorectal cancer (Hansen_2017), without strong evidence for pathogenicity in some studies. The variant was also found in 8 breast cancer probands and numerous family members with other cancer phenotypes in an Icelandic cohort, including a homozygote carrier affected with lung cancer (Arason_2019) without strong evidence for causality. Co-occurrences with other pathogenic variant(s) have been reported (BRCA2 c.7007G>A,, p.Arg2336His; ATM c.6404_6405insTT , p.Arg2136fsX1)(Beissel_ 2014, internal testing), providing supporting evidence for a benign role. The following publications have been ascertained in the context of this evaluation (PMID: 31683985, 26075997, 20104584, 28588830, 17591843, 28195393, 34981296, 23199084, 16267036, 29750258, 26733283, 24728189, 23239986). ClinVar contains an entry for this variant (Variation ID: 37566). Based on the evidence outlined above, the variant was classified as uncertain significance.

Institute for Biomarker Research, Medical Diagnostic Laboratories, L.L.C.
Classification: Uncertain significance for Hereditary breast ovarian cancer syndrome. Last evaluated: 2024-09-16. Review status: criteria provided, single submitter. Criteria: ACMG Guidelines, 2015. Collection method: clinical testing. Allele origin: germline. Not counted in ClinVar's aggregate classification.
Comment: The splice region variant NM_007294.4(BRCA1):c.4096+3A>G has not been reported previously as a pathogenic variant nor as a benign variant, to our knowledge. The c.4096+3A>G variant is novel (not in any individuals) in gnomAD. The c.4096+3A>G variant is novel (not in any individuals) in 1kG. The c.4096+3A>G variant is predicted to disrupt the existing donor splice site 1bp upstream by 3 of 4 splice site algorithms. For these reasons, this variant has been classified as Uncertain Significance.

Quest Diagnostics Nichols Institute San Juan Capistrano
Classification: Uncertain significance. Last evaluated: 2024-07-11. Review status: criteria provided, single submitter. Criteria: Quest Diagnostics criteria. Collection method: clinical testing. Allele origin: unknown. Not counted in ClinVar's aggregate classification.
Comment: The BRCA1 c.4096+3A>G variant has been reported in the published literature in breast or ovarian cancer cases (PMIDs: 20104584 (2010), 23239986 (2012), 24728189 (2014), 25683334 (2015), 31683985 (2019)), as well as in unaffected individuals in the heterozygous and homozygous state, with non-segregation with disease (PMID: 28588830 (2017)). RNA studies in vitro have shown this variant impaired normal splicing at the neighboring splice junction, resulting in the loss of the full length BRCA1 transcript and an increased abundance of a naturally occurring, shortened in-frame isoform that removes a portion of the largest exon (PMID: 23239986 (2012)). This shortened isoform is expressed in various healthy tissues and may be partially functional (PMIDs: 8972225 (1997), 11359908 (2001), and 24569164 (2014)). This variant has not been reported in large, multi-ethnic general populations (Genome Aggregation Database). Based on the available information, we are unable to determine the clinical significance of this variant.

All of Us Research Program, National Institutes of Health
Classification: Uncertain significance for BRCA1-related cancer predisposition. Last evaluated: 2024-06-09. Review status: criteria provided, single submitter. Criteria: ACMG Guidelines, 2015. Collection method: clinical testing. Allele origin: germline. Inheritance: Autosomal dominant inheritance. Observed: 5 variant alleles, 5 heterozygotes. Not counted in ClinVar's aggregate classification.
Comment: This variant causes an A to G nucleotide substitution at the +3 position of intron 10 of the BRCA1 gene. Splice site prediction tools predict that this variant may have a significant impact on RNA splicing. An RNA study has shown splicing impacts leading to reduced wild-type transcript and two alternative transcript predicted to cause in-frame deletion, including the naturally occurring skipping of exon 10 (PMID: 23239986). This variant has been reported in individuals affected with breast and ovarian cancer (PMID: 23239986, 24728189, 28588830, 31683985) and colorectal cancer (PMID 28195393). This variant has been detected in six suspected hereditary breast and ovarian cancer pedigrees from a Danish and an Icelandic study, in which co-segregation of the variant and breast and ovarian cancer varied by pedigree and co-segregation or the lack thereof could not be definitively determined (PMID: 28588830, 31683985). This variant has not been identified in the general population by the Genome Aggregation Database (gnomAD). The available evidence is insufficient to determine the role of this variant in disease conclusively. Therefore, this variant is classified as a Variant of Uncertain Significance.

This study involves interpretation of variants in research participants for the purpose of population health screening. Participant phenotype was not available at the time of variant classification. Additional details can be found in publication PMID: 35346344, PMCID: PMC8962531

Color Diagnostics, LLC DBA Color Health
Classification: Uncertain significance for Hereditary cancer-predisposing syndrome. Last evaluated: 2024-05-14. Review status: criteria provided, single submitter. Criteria: ACMG Guidelines, 2015. Collection method: clinical testing. Allele origin: germline. Not counted in ClinVar's aggregate classification.
Comment: This variant causes an A to G nucleotide substitution at the +3 position of intron 10 of the BRCA1 gene. Splice site prediction tools predict that this variant may have a significant impact on RNA splicing. An RNA study has shown splicing impacts leading to reduced wild-type transcript and two alternative transcript predicted to cause in-frame deletion, including the naturally occurring skipping of exon 10 (PMID: 23239986). This variant has been reported in individuals affected with breast and ovarian cancer (PMID: 23239986, 24728189, 28588830, 31683985) and colorectal cancer (PMID 28195393). This variant has been detected in six suspected hereditary breast and ovarian cancer pedigrees from a Danish and an Icelandic study, in which co-segregation of the variant and breast and ovarian cancer varied by pedigree and co-segregation or the lack thereof could not be definitively determined (PMID: 28588830, 31683985). This variant has not been identified in the general population by the Genome Aggregation Database (gnomAD). The available evidence is insufficient to determine the role of this variant in disease conclusively. Therefore, this variant is classified as a Variant of Uncertain Significance.

Baylor Genetics
Classification: Uncertain significance for Breast-ovarian cancer, familial, susceptibility to, 1. Last evaluated: 2024-02-10. Review status: criteria provided, single submitter. Criteria: ACMG Guidelines, 2015. Collection method: clinical testing. Allele origin: unknown. Not counted in ClinVar's aggregate classification.

GeneDx
Classification: Uncertain significance. Last evaluated: 2023-02-21. Review status: criteria provided, single submitter. Criteria: GeneDx Variant Classification Process June 2021. Collection method: clinical testing. Allele origin: germline. Affected: yes. Not counted in ClinVar's aggregate classification.
Comment: Not observed at significant frequency in large population cohorts (gnomAD); Published functional studies demonstrate that this variant results in transcripts displaying a deletion of 3309 nucleotides from the 3' end of exon 10 and an increase in the naturally-occurring BRCA1 deletion exon 10 isoform, also reported as exon 11 using alternate nomenclature, with what appears to be some residual normal transcript production (Wappenschmidt et al., 2012); Observed in individuals with breast and/or ovarian cancer and incompletely segregates with disease in several families (Borg et al., 2010; Beissel et a., 2014; Song et al., 2014; Arason et al., 2019); In silico analysis supports a deleterious effect on splicing; Also known as BRCA1 4215+3A>G, IVS11+3A>G, and 4216nt-2A>G; This variant is associated with the following publications: (PMID: 28195393, 11431698, 28588830, 8972225, 16943438, 11359908, 20104584, 17591843, 24728189, 19383375, 26075997, 23239986, 31683985)